The following is an entry in ClinVar:

NM_139321.3(ATRN):c.1429G>A (p.Val477Met)

Gene: ATRN (attractin; plus strand). Cytogenetic location: 20p13.
Variant type: single nucleotide variant.
Coding change: c.1429G>A on transcript NM_139321.3 (MANE Select); coding-DNA position 1429, G replaced by A.
Protein change: p.Val477Met; replaces valine 477 with methionine.
Molecular consequence: missense variant.
Genome position (GRCh38, 1-based): chr20:3,560,887, G>A. VCF-style: chr20-3560887-G-A. GRCh37 (hg19) VCF-style: chr20-3541534-G-A.
Other names: c.1429G>A, p.Val477Met (NM_139322.4, NM_001323332.2); c.1081G>A, p.Val361Met (NM_001207047.3); short protein forms V477M, V361M.
Identifiers: ClinVar variation 4774356 (VCV004774356.1).

ClinVar aggregate classification (germline): Uncertain significance (1 of 4 stars; one submission).

Submission:

Labcorp Genetics (formerly Invitae), Labcorp
Classification: Uncertain significance. Last evaluated: 2025-11-03. Review status: criteria provided, single submitter. Criteria: Invitae Variant Classification Sherloc (09022015). Collection method: clinical testing. Allele origin: germline.
Comment: This sequence change replaces valine, which is neutral and non-polar, with methionine, which is neutral and non-polar, at codon 477 of the ATRN protein (p.Val477Met). This variant is not present in population databases (gnomAD no frequency). This variant has not been reported in the literature in individuals affected with ATRN-related conditions. An algorithm developed to predict the effect of missense changes on protein structure and function (PolyPhen-2) suggests that this variant is likely to be disruptive. In summary, the available evidence is currently insufficient to determine the role of this variant in disease. Therefore, it has been classified as a Variant of Uncertain Significance.